The following is an entry in ClinVar:

NM_000138.5(FBN1):c.3988G>C (p.Ala1330Pro)

Gene: FBN1 (fibrillin 1; minus strand). Cytogenetic location: 15q21.1.
Variant type: single nucleotide variant.
Coding change: c.3988G>C on transcript NM_000138.5 (MANE Select); coding-DNA position 3988, G replaced by C.
Protein change: p.Ala1330Pro; replaces alanine 1330 with proline.
Molecular consequence: missense variant.
Genome position (GRCh38, 1-based): chr15:48,474,627, C>G on the plus strand (G>C on the coding strand, the complement: FBN1 is on the minus strand). VCF-style: chr15-48474627-C-G. GRCh37 (hg19) VCF-style: chr15-48766824-C-G.
Other names: c.3988G>C, p.Ala1330Pro (NM_001406716.1); short protein forms A1330P.
Identifiers: ClinVar variation 1713708 (VCV001713708.5), dbSNP rs1272869223, ClinGen allele CA392320616.
Genomic context (GRCh38, chr15:48,474,627, plus strand): 5'-AGCTACATTTGAAGCTTCCTGCTGTATTGGTACATACAGCATGTTTGCCACAGTTGTGTG[C>G]TCCAATTTCACATTCATTGATGTCTGGAAAAATGAGCAGTGATTTAGAAAAAGGCTCAGC-3'
Protein context (NP_000129.3, residues 1320-1340): CTDINECEIG[Ala1330Pro]HNCGKHAVCT

ClinVar aggregate classification (germline): Uncertain significance (1 of 4 stars; one submission).

Conditions:
Marfan syndrome (MFS). Also called: Marfan's syndrome; Marfan syndrome, classic; MARFAN SYNDROME, TYPE I; Marfan syndrome type 1; FBN1-Related Marfan Syndrome. Identifiers: Orphanet 284963, Orphanet 558, MedGen C0024796, MONDO:0007947, OMIM 154700.
Familial thoracic aortic aneurysm and aortic dissection (TAAD). Also called: Thoracic aortic aneurysms and dissections. Identifiers: Orphanet 91387, MedGen C4707243, MONDO:0019625.

Submission:

Labcorp Genetics (formerly Invitae), Labcorp
Classification: Uncertain significance for Marfan syndrome; Familial thoracic aortic aneurysm and aortic dissection. Last evaluated: 2022-07-24. Review status: criteria provided, single submitter. Criteria: Invitae Variant Classification Sherloc (09022015). Collection method: clinical testing. Allele origin: germline.
Comment: In summary, the available evidence is currently insufficient to determine the role of this variant in disease. Therefore, it has been classified as a Variant of Uncertain Significance. Algorithms developed to predict the effect of missense changes on protein structure and function are either unavailable or do not agree on the potential impact of this missense change (SIFT: "Tolerated"; PolyPhen-2: "Probably Damaging"; Align-GVGD: "Class C0"). This variant has not been reported in the literature in individuals affected with FBN1-related conditions. This variant is not present in population databases (gnomAD no frequency). This sequence change replaces alanine, which is neutral and non-polar, with proline, which is neutral and non-polar, at codon 1330 of the FBN1 protein (p.Ala1330Pro).